The following is an entry in ClinVar:

NM_014669.5(NUP93):c.744G>T (p.Val248=)

Gene: NUP93 (nucleoporin 93; plus strand). Cytogenetic location: 16q13.
Variant type: single nucleotide variant.
Coding change: c.744G>T on transcript NM_014669.5 (MANE Select); coding-DNA position 744, G replaced by T.
Protein change: p.Val248=; no amino-acid change (valine 248 retained).
Molecular consequence: synonymous variant.
Genome position (GRCh38, 1-based): chr16:56,823,796, G>T. VCF-style: chr16-56823796-G-T. GRCh37 (hg19) VCF-style: chr16-56857708-G-T.
Other names: c.375G>T, p.Val125= (NM_001242795.2, NM_001242796.2).
Identifiers: ClinVar variation 2646549 (VCV002646549.24), dbSNP rs764377297, ClinGen allele CA8068210.
Genomic context (GRCh38, chr16:56,823,796, plus strand): 5'-ACAAATGACAGACGTGTTGTTGACACCGGCAACGGATGCCCTGAAGAACCGCAGCAGCGT[G>T]GAAGTGCGCATGGAGTTTGTCAGGCAGGCCTTGGCGTACCTTGAGCAGAGGTAAGGCAGC-3'
Protein context (NP_055484.3, residues 238-258): ATDALKNRSS[Val248=]EVRMEFVRQA

ClinVar aggregate classification (germline): Likely benign (1 of 4 stars; one submission).

Allele frequency attached by ClinVar (database versions not stated): ExAC 0.00003; gnomAD 0.00003; TOPMed 0.00004.
gnomAD v4.1: 21 of 1,614,180 alleles (0.0013%); highest among the groups gnomAD compares: Admixed American, 0.005%; no homozygotes.

Submission:

CeGaT Center for Human Genetics Tuebingen
Classification: Likely benign. Last evaluated: 2022-07-01. Review status: criteria provided, single submitter. Criteria: CeGaT Center For Human Genetics Tuebingen Variant Classification Criteria Version 2. Collection method: clinical testing. Allele origin: germline. Affected: yes. Observed: 1 variant allele.
Comment: NUP93: BP4, BP7